The following is an entry in ClinVar:

ClinVar aggregate classification (germline): Uncertain significance. Review status: criteria provided, multiple submitters, no conflicts (2 of 4 stars). 2 submissions from 2 submitters: Uncertain significance (2). Last evaluated 2023-05-17.

Conditions:
Inborn genetic diseases. Identifiers: MedGen C0950123, MeSH D030342.
Nemaline myopathy 9 (NEM9). Identifiers: MedGen C3810384, MONDO:0014326, OMIM 615731.

Allele frequency attached by ClinVar (database versions not stated): gnomAD 0.00001; gnomAD exomes 0.00001 and 0.00005; TOPMed 0.00002; ExAC 0.00003.
gnomAD v4.1: 11 of 1,614,002 alleles (0.00068%); highest among the groups gnomAD compares: East Asian, 0.022%; no homozygotes.

Submissions (2):

Ambry Genetics
Classification: Uncertain significance for Inborn genetic diseases. Last evaluated: 2023-05-17. Review status: criteria provided, single submitter. Criteria: Ambry Variant Classification Scheme 2023. Collection method: clinical testing. Allele origin: germline.

Labcorp Genetics (formerly Invitae), Labcorp
Classification: Uncertain significance for Nemaline myopathy 9. Last evaluated: 2022-06-20. Review status: criteria provided, single submitter. Criteria: Invitae Variant Classification Sherloc (09022015). Collection method: clinical testing. Allele origin: germline.
Comment: In summary, the available evidence is currently insufficient to determine the role of this variant in disease. Therefore, it has been classified as a Variant of Uncertain Significance. Algorithms developed to predict the effect of sequence changes on RNA splicing suggest that this variant may create or strengthen a splice site. Algorithms developed to predict the effect of missense changes on protein structure and function are either unavailable or do not agree on the potential impact of this missense change (SIFT: "Deleterious"; PolyPhen-2: "Benign"; Align-GVGD: "Class C0"). ClinVar contains an entry for this variant (Variation ID: 935006). This variant has not been reported in the literature in individuals affected with KLHL41-related conditions. This variant is present in population databases (rs773869984, gnomAD 0.06%). This sequence change replaces aspartic acid, which is acidic and polar, with glutamic acid, which is acidic and polar, at codon 281 of the KLHL41 protein (p.Asp281Glu).

NM_006063.3(KLHL41):c.843T>G (p.Asp281Glu)

Gene: KLHL41 (kelch like family member 41; plus strand). Cytogenetic location: 2q31.1.
Variant type: single nucleotide variant.
Coding change: c.843T>G on transcript NM_006063.3 (MANE Select); coding-DNA position 843, T replaced by G.
Protein change: p.Asp281Glu; replaces aspartic acid 281 with glutamic acid.
Molecular consequence: missense variant.
Genome position (GRCh38, 1-based): chr2:169,510,621, T>G. VCF-style: chr2-169510621-T-G. GRCh37 (hg19) VCF-style: chr2-170367131-T-G.
Other names: short protein forms D281E.
Identifiers: ClinVar variation 935006 (VCV000935006.9), dbSNP rs773869984, ClinGen allele CA1956568.